The following is an entry in ClinVar:

NM_001197104.2(KMT2A):c.11322-6C>A

Genes: KMT2A (lysine methyltransferase 2A; plus strand), TTC36-AS1 (TTC36 and KMT2A antisense RNA 1; minus strand). Cytogenetic location: 11q23.3.
Variant type: single nucleotide variant.
Coding change: c.11322-6C>A on transcript NM_001197104.2 (MANE Select); 6 bases into the intron before coding-DNA position 11322, C replaced by A.
Molecular consequence: intron variant.
Genome position (GRCh38, 1-based): chr11:118,519,951, C>A. VCF-style: chr11-118519951-C-A. GRCh37 (hg19) VCF-style: chr11-118390666-C-A.
Other names: c.11313-6C>A (NM_005933.4).
Identifiers: ClinVar variation 1683287 (VCV001683287.3), dbSNP rs1950921220, ClinGen allele CA942733064.

ClinVar aggregate classification (germline): Conflicting classifications of pathogenicity. Review status: criteria provided, conflicting classifications (1 of 4 stars). 2 submissions from 2 submitters: Uncertain significance (1); Likely benign (1). Last evaluated 2025-04-13.

Allele frequency attached by ClinVar (database versions not stated): gnomAD 0.00001; TOPMed 0.00001; gnomAD exomes below 0.00001.
gnomAD v4.1: 8 of 1,608,100 alleles (0.0005%); highest among the groups gnomAD compares: Non-Finnish European, 0.00068%; no homozygotes.

Submissions (2):

Labcorp Genetics (formerly Invitae), Labcorp
Classification: Likely benign. Last evaluated: 2025-04-13. Review status: criteria provided, single submitter. Criteria: Invitae Variant Classification Sherloc (09022015). Collection method: clinical testing. Allele origin: germline.

Women's Health and Genetics/Laboratory Corporation of America, LabCorp
Classification: Uncertain significance. Last evaluated: 2022-04-08. Review status: criteria provided, single submitter. Criteria: LabCorp Variant Classification Summary - May 2015. Collection method: clinical testing. Allele origin: germline.
Comment: Variant summary: KMT2A c.11322-6C>A alters a non-conserved nucleotide located close to a canonical splice site and therefore could affect mRNA splicing, leading to a significantly altered protein sequence. Several computational tools predict a significant impact on normal splicing: Three predict the variant weakens a 3' acceptor site. One predict the variant abolishes a 3' acceptor site. However, these predictions have yet to be confirmed by functional studies. The variant was absent in 250906 control chromosomes. The available data on variant occurrences in the general population are insufficient to allow any conclusion about variant significance. To our knowledge, no occurrence of c.11322-6C>A in individuals affected with Wiedemann-Steiner Syndrome and no experimental evidence demonstrating its impact on protein function have been reported. No clinical diagnostic laboratories have submitted clinical-significance assessments for this variant to ClinVar after 2014. Based on the evidence outlined above, the variant was classified as uncertain significance.